The following is an entry in ClinVar:

NM_001159699.2(FHL1):c.560C>T (p.Ser187Phe)

Gene: FHL1 (four and a half LIM domains 1; plus strand). Cytogenetic location: Xq26.3.
Variant type: single nucleotide variant.
Coding change: c.560C>T on transcript NM_001159699.2 (MANE Select); coding-DNA position 560, C replaced by T.
Protein change: p.Ser187Phe; replaces serine 187 with phenylalanine.
Molecular consequence: missense variant. On other transcripts: non-coding transcript variant (1), intron variant (2).
Genome position (GRCh38, 1-based): chrX:136,208,465, C>T. VCF-style: chrX-136208465-C-T. GRCh37 (hg19) VCF-style: chrX-135290624-C-T.
Other names: c.512C>T, p.Ser171Phe (NM_001159700.2, NM_001159702.3, NM_001159704.1 and 8 more transcripts); c.599C>T, p.Ser200Phe (NM_001159701.2); c.560C>T, p.Ser187Phe (NM_001440769.1); c.501+504C>T (NM_001159703.2); c.549+504C>T (NM_001330659.2); short protein forms S171F, S187F, S200F.
Identifiers: ClinVar variation 4856163 (VCV004856163.1).

ClinVar aggregate classification (germline): Uncertain significance (1 of 4 stars; one submission).

Conditions:
FHL1-related disorder. Also called: FHL1-related condition; FHL1-related disorders.

Submission:

3billion
Classification: Uncertain significance for FHL1-related disorder. Last evaluated: 2025-12-05. Review status: criteria provided, single submitter. Criteria: ACMG Guidelines, 2015. Collection method: clinical testing. Allele origin: germline. Affected: yes.
Comment: The variant is not observed in the gnomAD v4.1.0 dataset. Predicted Consequence/Location: Missense variant. In silico tool predictions suggest damaging effect of the variant on gene or gene product [REVEL: 0.87 (>=0.6, sensitivity 0.68 and specificity 0.92); 3Cnet: 0.99 (> 0.75, sensitivity 0.96 and precision 0.92)]. Therefore, this variant is classified as VUS according to the recommendation of ACMG/AMP guideline.